The following is an entry in ClinVar:

NM_000222.3(KIT):c.56G>T (p.Arg19Leu)

Gene: KIT (KIT proto-oncogene, receptor tyrosine kinase; plus strand). Cytogenetic location: 4q12.
Variant type: single nucleotide variant.
Coding change: c.56G>T on transcript NM_000222.3 (MANE Select); coding-DNA position 56, G replaced by T.
Protein change: p.Arg19Leu; replaces arginine 19 with leucine.
Molecular consequence: missense variant.
Genome position (GRCh38, 1-based): chr4:54,658,070, G>T. VCF-style: chr4-54658070-G-T. GRCh37 (hg19) VCF-style: chr4-55524237-G-T.
Other names: c.56G>T, p.Arg19Leu (NM_001093772.2, NM_001385284.1, NM_001385285.1 and 4 more transcripts); short protein forms R19L.
Identifiers: ClinVar variation 1749164 (VCV001749164.3), dbSNP rs747253141, ClinGen allele CA2923120.

ClinVar aggregate classification (germline): Uncertain significance (1 of 4 stars; one submission).

Conditions:
Hereditary cancer-predisposing syndrome. Also called: Hereditary Cancer Syndrome; Hereditary neoplastic syndrome; Neoplastic Syndromes, Hereditary; Tumor predisposition. Identifiers: Orphanet 140162, MedGen C0027672, MeSH D009386, MONDO:0015356.

gnomAD v4.1: 1 of 1,613,854 alleles (0.000062%); no homozygotes.

Submission:

Ambry Genetics
Classification: Uncertain significance for Hereditary cancer-predisposing syndrome. Last evaluated: 2024-03-29. Review status: criteria provided, single submitter. Criteria: Ambry Variant Classification Scheme 2023. Collection method: clinical testing. Allele origin: germline.
Comment: The p.R19L variant (also known as c.56G>T), located in coding exon 1 of the KIT gene, results from a G to T substitution at nucleotide position 56. The arginine at codon 19 is replaced by leucine, an amino acid with dissimilar properties. This amino acid position is conserved. In addition, this alteration is predicted to be tolerated by in silico analysis. Since supporting evidence is limited at this time, the clinical significance of this alteration remains unclear.